The following is an entry in ClinVar:

NM_007294.4(BRCA1):c.593+1G>A

Gene: BRCA1 (BRCA1 DNA repair associated; minus strand). Cytogenetic location: 17q21.31.
Variant type: single nucleotide variant.
Coding change: c.593+1G>A on transcript NM_007294.4 (MANE Select); the canonical splice donor site of the intron after coding-DNA position 593, G replaced by A.
Molecular consequence: splice donor variant. On other transcripts: intron variant (115).
Genome position (GRCh38, 1-based): chr17:43,097,243, C>T on the plus strand (G>A on the coding strand, the complement: BRCA1 is on the minus strand). VCF-style: chr17-43097243-C-T. GRCh37 (hg19) VCF-style: chr17-41249260-C-T.
Other names: c.452+1G>A (NM_001408458.1, NM_001408460.1, NM_001408454.1 and 43 more transcripts); c.-218-2383G>A (NM_001407967.1, NM_001407966.1); c.212+1G>A (NM_001407959.1, NM_001408510.1, NM_001407963.1 and 1 more transcripts); c.404-2383G>A (NM_001407931.1, NM_001407936.1, NM_001407932.1 and 5 more transcripts); c.449+1G>A (NM_001407747.1, NM_001408470.1, NM_001407848.1 and 26 more transcripts); c.209+1G>A (NM_001407962.1); c.167-2383G>A (NM_001408512.1, NM_001407965.1); c.383+1G>A (NM_001407885.1, NM_001407886.1, NM_001407881.1 and 27 more transcripts); and 17 more.
Identifiers: ClinVar variation 963383 (VCV000963383.29), dbSNP rs1567804153, ClinGen allele CA10600930.
Genomic context (GRCh38, chr17:43,097,243, plus strand): 5'-CCTTAATATTAACTAAATAGGAAAATACCAGCTTCATAGACAAAGGTTCTCTTTGACTCA[C>T]CTGCAATAAGTTGCCTTATTAACGGTATCTTCAGAAGAATCAGATCCTAAAAAATTTCCC-3'

ClinVar aggregate classification (germline): Conflicting classifications of pathogenicity. Review status: criteria provided, conflicting classifications (1 of 4 stars). 7 submissions from 7 submitters: Likely pathogenic (1); Uncertain significance (4). 2 of the submissions do not count toward it. Last evaluated 2025-09-09.

Conditions:
Breast-ovarian cancer, familial, susceptibility to, 1 (BROVCA1). Also called: BRCA1 Hereditary Breast and Ovarian Cancer; OVARIAN CANCER, SUSCEPTIBILITY TO. Identifiers: Orphanet 145, MedGen C2676676, MONDO:0011450, OMIM 604370. Disease mechanism: loss of function.
Gastric cancer. Also called: Malignant tumor of stomach; Stomach cancer. Identifiers: MedGen C0024623, MeSH D013274, MONDO:0001056, OMIM 613659, HP:0012126.
Hereditary cancer-predisposing syndrome. Also called: Tumor predisposition; Hereditary Cancer Syndrome; Hereditary neoplastic syndrome; Neoplastic Syndromes, Hereditary. Identifiers: Orphanet 140162, MedGen C0027672, MeSH D009386, MONDO:0015356.
Hereditary breast ovarian cancer syndrome. Also called: Hereditary breast and ovarian cancer syndrome; Hereditary breast and ovarian cancer syndrome (HBOC); Breast and ovarian cancer; Hereditary breast and ovarian cancer; Hereditary breast and/or ovarian cancer syndrome; BRCA1- and BRCA2-Associated Hereditary Breast and Ovarian Cancer. Identifiers: Orphanet 145, MedGen C0677776, MeSH D061325, MONDO:0003582. Disease mechanism: loss of function.

Submissions (7):

Color Diagnostics, LLC DBA Color Health
Classification: Uncertain significance for Hereditary cancer-predisposing syndrome. Last evaluated: 2025-09-09. Review status: criteria provided, single submitter. Criteria: ACMG Guidelines, 2015. Collection method: clinical testing. Allele origin: germline.
Comment: This variant causes a G to A nucleotide substitution at the +1 position of intron 8 of the BRCA1 gene. Splice site prediction tools predict that this variant may have a significant impact on RNA splicing at the intron 8 splice donor site. The naturally-occurring and functional alternative BRCA1 transcript lacking exons 8 and 9 is thought to ameliorate canonical splice site variants in exons 8 and 9 (PMID: 19892845, 24569164, 27008870). To our knowledge, functional and RNA studies have not been reported for this variant. This variant has been reported in an individual unaffected with cancer (PMID: 38566028). This variant has not been identified in the general population by the Genome Aggregation Database (gnomAD). The available evidence is insufficient to determine the role of this variant in disease conclusively. Therefore, this variant is classified as a Variant of Uncertain Significance.

Quest Diagnostics Nichols Institute San Juan Capistrano
Classification: Uncertain significance. Last evaluated: 2025-08-18. Review status: criteria provided, single submitter. Criteria: Quest Diagnostics criteria. Collection method: clinical testing. Allele origin: unknown.
Comment: The BRCA1 c.593+1G>A variant disrupts a canonical splice-donor site and is predicted to interfere with normal BRCA1 mRNA splicing. This variant has been reported in the published literature in only one family affected with breast and/or ovarian cancer (PMID: 22245140 (2012)). Alternative BRCA1 mRNA splicing affecting exons 9 and 10 has been observed in normal tissues and may attenuate or diminish the effect of this variant (PMID: 20356671 (2010), 24569164 (2014), 29183387 (2017), 29774201 (2018), 30623411 (2019), 30992324 (2019), 37352859 (2023)), however, more research is needed. This variant has not been reported in large, multi-ethnic general populations (Genome Aggregation Database). Based on the available information, we are unable to determine the clinical significance of this variant.

Labcorp Genetics (formerly Invitae), Labcorp
Classification: Uncertain significance for Hereditary breast ovarian cancer syndrome. Last evaluated: 2025-01-26. Review status: criteria provided, single submitter. Criteria: Invitae Variant Classification Sherloc (09022015). Collection method: clinical testing. Allele origin: germline.
Comment: This sequence change affects a donor splice site in intron 8 of the BRCA1 gene. Loss-of-function variants in BRCA1 are expected to be pathogenic (PMID: 20104584). However, an in-frame BRCA1 isoform lacking exons 8 and 9 (also known as exons 9 and 10) is highly expressed in blood from unaffected individuals and in normal breast tissue; this isoform may retain protein function and could functionally rescue loss-of-function variants within exons 8-9 (PMID: 24569164). This variant is not present in population databases (gnomAD no frequency). This variant has not been reported in the literature in individuals affected with BRCA1-related conditions. ClinVar contains an entry for this variant (Variation ID: 963383). Studies have shown disruption of this splice site is associated with skipping of exon 8-9 and skipping of exon 8, but one or more of the resulting mRNA isoform(s) may be naturally occurring (PMID: 24569164; internal data). In summary, the available evidence is currently insufficient to determine the role of this variant in disease. Therefore, it has been classified as a Variant of Uncertain Significance.

Ambry Genetics
Classification: Uncertain significance for Hereditary cancer-predisposing syndrome. Last evaluated: 2024-07-01. Review status: criteria provided, single submitter. Criteria: Ambry Variant Classification Scheme 2023. Collection method: clinical testing. Allele origin: germline.
Comment: The c.593+1G>A intronic variant results from a G to A substitution one nucleotide after coding exon 7 of the BRCA1 gene. In BRCA1, several naturally occurring in-frame minor isoforms have been reported. Alterations in consensus splice sites that are skipped in these naturally occurring in-frame minor isoforms have an uncertain impact on pathogenicity. The c.594-1G intronic splice site is one such nucleotide, located in an exon(7)/intron(7) boundary that is skipped in one (BRCA1 delta 9-10, also known as CDS7_8del) of the reported in-frame minor isoforms. The BRCA1 delta 9-10 in-frame isoform is one amongst the predominantly expressed minor isoforms in healthy individuals (Colombo M et al. Hum Mol Genet. 2014; 23:3666-80). This nucleotide position is highly conserved in available vertebrate species. In silico splice site analysis predicts that this alteration will weaken the native splice donor site; however, direct evidence is insufficient at this time (Ambry internal data). Based upon the available evidence, the clinical significance of this variant remains unclear.

Baylor Genetics
Classification: Likely pathogenic for Breast-ovarian cancer, familial, susceptibility to, 1. Last evaluated: 2023-10-18. Review status: criteria provided, single submitter. Criteria: ACMG Guidelines, 2015. Collection method: clinical testing. Allele origin: unknown.

Laboratory for Genotyping Development, RIKEN
Classification: Pathogenic for Gastric cancer. Last evaluated: 2021-07-01. Review status: no assertion criteria provided. Collection method: research. Allele origin: germline. Not counted in ClinVar's aggregate classification.

Department of Pathology and Laboratory Medicine, Sinai Health System
Classification: Pathogenic. Review status: no assertion criteria provided. Collection method: clinical testing. Allele origin: unknown. Affected: yes. Study: The Canadian Open Genetics Repository (COGR). Not counted in ClinVar's aggregate classification.
Comment: The BRCA1 c.593+1G>A variant was not identified in the literature nor was it identified in the dbSNP, ClinVar, LOVD 3.0, databases. The variant was identified in UMD-LSDB (2x reported as class 5, casual).The variant was not identified in the following control databases: the Exome Aggregation Consortium (August 8th 2016) or the Genome Aggregation Database (Feb 27, 2017). The c.593+1G>A variant is predicted to cause abnormal splicing because the nucleotide substitution occurs in the invariant region of the splice consensus sequence. In addition, 3 of 4 in silico or computational prediction software programs (SpliceSiteFinder, MaxEntScan, NNSPLICE, GeneSplicer) predict a greater than 10% difference in splicing. In summary, based on the above information this variant meets our laboratoryâ€šÃ„Ã´s criteria to be classified as pathogenic.

Literature cited by the submitters: PubMed 19892845 (cited by Color Diagnostics, LLC DBA Color Health); PubMed 24569164 (cited by 3 submitters); PubMed 27008870 (cited by Color Diagnostics, LLC DBA Color Health); PubMed 38566028 (cited by Color Diagnostics, LLC DBA Color Health); PubMed 33233347 (cited by Quest Diagnostics Nichols Institute San Juan Capistrano); PubMed 20356671 (cited by Quest Diagnostics Nichols Institute San Juan Capistrano); PubMed 22245140 (cited by Quest Diagnostics Nichols Institute San Juan Capistrano); PubMed 37352859 (cited by Quest Diagnostics Nichols Institute San Juan Capistrano); PubMed 30992324 (cited by Quest Diagnostics Nichols Institute San Juan Capistrano); PubMed 29774201 (cited by Quest Diagnostics Nichols Institute San Juan Capistrano); PubMed 30623411 (cited by Quest Diagnostics Nichols Institute San Juan Capistrano); PubMed 25884417 (cited by Quest Diagnostics Nichols Institute San Juan Capistrano); PubMed 29183387 (cited by Quest Diagnostics Nichols Institute San Juan Capistrano); PubMed 20104584 (cited by Labcorp Genetics (formerly Invitae), Labcorp); PubMed 36988593 (cited by Laboratory for Genotyping Development, RIKEN).